The following is an entry in ClinVar:

ClinVar aggregate classification (germline): Likely benign (0 of 4 stars; one submission).

Conditions:
ARL13B-related disorder. Also called: ARL13B-related condition.

Submission:

PreventionGenetics, part of Exact Sciences
Classification: Likely benign for ARL13B-related condition. Last evaluated: 2021-11-04. Review status: no assertion criteria provided. Collection method: clinical testing. Allele origin: germline.
Comment: This variant is classified as likely benign based on ACMG/AMP sequence variant interpretation guidelines (Richards et al. 2015 PMID: 25741868, with internal and published modifications).

NM_001174150.2(ARL13B):c.1140T>G (p.Pro380=)

Gene: ARL13B (ARF like GTPase 13B; plus strand). Cytogenetic location: 3q11.2.
Variant type: single nucleotide variant.
Coding change: c.1140T>G on transcript NM_001174150.2 (MANE Select); coding-DNA position 1140, T replaced by G.
Protein change: p.Pro380=; no amino-acid change (proline 380 retained).
Molecular consequence: synonymous variant. On other transcripts: non-coding transcript variant (2).
Genome position (GRCh38, 1-based): chr3:94,049,521, T>G. VCF-style: chr3-94049521-T-G. GRCh37 (hg19) VCF-style: chr3-93768365-T-G.
Other names: c.831T>G, p.Pro277= (NM_001174151.2); c.1095T>G, p.Pro365= (NM_001321328.2); c.1140T>G, p.Pro380= (NM_001410782.1, NM_182896.3); c.819T>G, p.Pro273= (NM_144996.4).
Identifiers: ClinVar variation 3054021 (VCV003054021.2), dbSNP rs1166457281, ClinGen allele CA434629966.
Genomic context (GRCh38, chr3:94,049,521, plus strand): 5'-ACCACTTAATATAGATGACTGTGCTCCTGAGAGTCCAACGCCACCCCCACCCCCTCCTCC[T>G]GGTGAGTAAATTGATACTGATACTGAATTTAGAAATATTGCTTTAAACAACAGAGAAAAA-3'
Protein context (NP_001167621.1, residues 370-390): ESPTPPPPPP[Pro380=]VGWGTPKVTR